The following is an entry in ClinVar:

ClinVar aggregate classification (germline): Benign. Review status: criteria provided, multiple submitters, no conflicts (2 of 4 stars). 2 submissions from 2 submitters: Benign (2). Last evaluated 2018-01-13.

Conditions:
Aicardi-Goutieres syndrome 3. Identifiers: Orphanet 51, MedGen C1835916, MONDO:0012471, OMIM 610329.

Allele frequency attached by ClinVar (database versions not stated): 1000 Genomes Project 30x 0.82339; TOPMed 0.87824; gnomAD 0.88416; 1000 Genomes Project 0.82488; gnomAD exomes 0.89561.
gnomAD v4.1: 204,961 of 231,548 alleles (89%); highest among the groups gnomAD compares: Non-Finnish European, 92%; 91,111 homozygotes.

Submissions (2):

Illumina Laboratory Services, Illumina
Classification: Benign for Aicardi-Goutieres syndrome 3. Last evaluated: 2018-01-13. Review status: criteria provided, single submitter. Criteria: ICSL Variant Classification Criteria 13 December 2019. Collection method: clinical testing. Allele origin: germline.
Comment: This variant was observed in the ICSL laboratory as part of a predisposition screen in an ostensibly healthy population. It had not been previously curated by ICSL or reported in the Human Gene Mutation Database (HGMD: prior to June 1st, 2018), and was therefore a candidate for classification through an automated scoring system. Utilizing variant allele frequency, disease prevalence and penetrance estimates, and inheritance mode, an automated score was calculated to assess if this variant is too frequent to cause the disease. Based on the score and internal cut-off values, a variant classified as benign is not then subjected to further curation. The score for this variant resulted in a classification of benign for this disease.

Breakthrough Genomics
Classification: Benign. Review status: criteria provided, single submitter. Criteria: ACMG Guidelines, 2015. Collection method: not provided. Allele origin: germline. Inheritance: Autosomal recessive inheritance. Affected: yes.

NM_032193.4(RNASEH2C):c.*1527A>C

Genes: KAT5 (lysine acetyltransferase 5; plus strand), RNASEH2C (ribonuclease H2 subunit C; minus strand). Cytogenetic location: 11q13.1.
Variant type: single nucleotide variant.
Coding change: c.*1527A>C on transcript NM_032193.4 (MANE Select); 1527 bases downstream of the stop codon, A replaced by C.
Molecular consequence: 3 prime UTR variant. On other transcripts: intron variant (4).
Genome position (GRCh38, 1-based): chr11:65,718,256, T>G on the plus strand (A>C on the coding strand, the complement: RNASEH2C is on the minus strand). VCF-style: chr11-65718256-T-G. GRCh37 (hg19) VCF-style: chr11-65485727-T-G.
Other names: c.1265-334T>G (NM_182710.3); c.1109-334T>G (NM_001206833.2); c.1166-334T>G (NM_006388.4); c.1010-334T>G (NM_182709.3).
Identifiers: ClinVar variation 305334 (VCV000305334.6), dbSNP rs521678, ClinGen allele CA10639014.